The following is an entry in ClinVar:

ClinVar aggregate classification (germline): Uncertain significance (1 of 4 stars; one submission).

Conditions:
MHC class II deficiency. Also called: BLS, TYPE II; Bare lymphocyte syndrome 2. Identifiers: Orphanet 572, MedGen C5447452, MONDO:0008855.

gnomAD v4.1: 6 of 1,614,188 alleles (0.00037%); highest among the groups gnomAD compares: Middle Eastern, 0.033%; no homozygotes.

Submission:

Labcorp Genetics (formerly Invitae), Labcorp
Classification: Uncertain significance for MHC class II deficiency. Last evaluated: 2024-02-17. Review status: criteria provided, single submitter. Criteria: Invitae Variant Classification Sherloc (09022015). Collection method: clinical testing. Allele origin: germline.
Comment: This sequence change replaces glycine, which is neutral and non-polar, with glutamic acid, which is acidic and polar, at codon 247 of the CIITA protein (p.Gly247Glu). This variant is not present in population databases (gnomAD no frequency). This variant has not been reported in the literature in individuals affected with CIITA-related conditions. ClinVar contains an entry for this variant (Variation ID: 1018838). Algorithms developed to predict the effect of missense changes on protein structure and function output the following: SIFT: "Not Available"; PolyPhen-2: "Possibly Damaging"; Align-GVGD: "Not Available". The glutamic acid amino acid residue is found in multiple mammalian species, which suggests that this missense change does not adversely affect protein function. In summary, the available evidence is currently insufficient to determine the role of this variant in disease. Therefore, it has been classified as a Variant of Uncertain Significance.

NM_000246.4(CIITA):c.740G>A (p.Gly247Glu)

Gene: CIITA (class II major histocompatibility complex transactivator; plus strand). Cytogenetic location: 16p13.13.
Variant type: single nucleotide variant.
Coding change: c.740G>A on transcript NM_000246.4 (MANE Select); coding-DNA position 740, G replaced by A.
Protein change: p.Gly247Glu; replaces glycine 247 with glutamic acid.
Molecular consequence: missense variant. On other transcripts: non-coding transcript variant (1).
Genome position (GRCh38, 1-based): chr16:10,902,769, G>A. VCF-style: chr16-10902769-G-A. GRCh37 (hg19) VCF-style: chr16-10996626-G-A.
Other names: c.743G>A, p.Gly248Glu (NM_001286402.1, NM_001379332.1); c.593G>A, p.Gly198Glu (NM_001286403.2, NM_001379331.1); c.596G>A, p.Gly199Glu (NM_001379330.1); c.740G>A, p.Gly247Glu (NM_001379333.1); c.671G>A, p.Gly224Glu (NM_001379334.1); short protein forms G198E, G199E, G224E, G247E, G248E.
Identifiers: ClinVar variation 1018838 (VCV001018838.4), dbSNP rs2038873856, ClinGen allele CA394728840.